The following is an entry in ClinVar:

ClinVar aggregate classification (germline): Conflicting classifications of pathogenicity. Review status: criteria provided, conflicting classifications (1 of 4 stars). 3 submissions from 3 submitters: Uncertain significance (2); Likely benign (1). Last evaluated 2025-12-30.

Conditions:
Congenital factor V deficiency. Also called: LABILE FACTOR DEFICIENCY; OWREN PARAHEMOPHILIA; PARAHEMOPHILIA; Hereditary factor V deficiency disease. Identifiers: Orphanet 326, MedGen C0015499, MONDO:0009210, OMIM 227400.
Pregnancy loss, recurrent, susceptibility to, 1 (RPRGL1). Also called: EMBRYONIC LOSS, RECURRENT; MISCARRIAGE, RECURRENT; STILLBIRTH, RECURRENT; FETAL LOSS, RECURRENT, SUSCEPTIBILITY TO. Identifiers: MedGen C3280670, MONDO:0013727, OMIM 614389.
Budd-Chiari syndrome (BDCHS). Also called: Hepatic vein obstruction. Identifiers: Orphanet 131, MedGen C0856761, MONDO:0010947, OMIM 600880, HP:0002639.
Ischemic stroke. Also called: CEREBROVASCULAR ACCIDENT; Ischemic stroke, susceptibility to. Identifiers: MedGen C0948008, MONDO:1060198, OMIM 601367, HP:0002140.
Thrombophilia due to activated protein C resistance (THPH2). Also called: PCCF DEFICIENCY; PROC COFACTOR DEFICIENCY; THROMBOPHILIA DUE TO DEFICIENCY OF ACTIVATED PROTEIN C COFACTOR; THROMBOPHILIA V; APC resistance; Activated protein C resistance. Identifiers: MedGen C1861171, MONDO:0008560, OMIM 188055. Disease mechanism: loss of function, gain of function.
Inborn genetic diseases. Identifiers: MedGen C0950123, MeSH D030342.

Allele frequency attached by ClinVar (database versions not stated): ExAC 0.00004; TOPMed 0.00004; gnomAD 0.00005.
gnomAD v4.1: 51 of 1,614,006 alleles (0.0032%); highest among the groups gnomAD compares: Non-Finnish European, 0.00076%; no homozygotes.

Submissions (3):

Labcorp Genetics (formerly Invitae), Labcorp
Classification: Likely benign for Congenital factor V deficiency. Last evaluated: 2025-12-30. Review status: criteria provided, single submitter. Criteria: Invitae Variant Classification Sherloc (09022015). Collection method: clinical testing. Allele origin: germline.

Ambry Genetics
Classification: Uncertain significance for Inborn genetic diseases. Last evaluated: 2025-03-03. Review status: criteria provided, single submitter. Criteria: Ambry Variant Classification Scheme 2023. Collection method: clinical testing. Allele origin: germline.
Comment: The p.R46G variant (also known as c.136C>G), located in coding exon 1 of the F5 gene, results from a C to G substitution at nucleotide position 136. The arginine at codon 46 is replaced by glycine, an amino acid with dissimilar properties. This amino acid position is conserved. In addition, the in silico prediction for this alteration is inconclusive. Since supporting evidence is limited at this time, the clinical significance of this alteration remains unclear.

Department of Pathology and Laboratory Medicine, Sinai Health System
Classification: Uncertain significance for Thrombophilia due to activated protein C resistance; Congenital factor V deficiency; Budd-Chiari syndrome; Ischemic stroke; Pregnancy loss, recurrent, susceptibility to, 1. Last evaluated: 2020-05-30. Review status: criteria provided, single submitter. Criteria: ACMG Guidelines, 2015. Collection method: research. Allele origin: germline.

NM_000130.5(F5):c.136C>G (p.Arg46Gly)

Gene: F5 (coagulation factor V; minus strand). Cytogenetic location: 1q24.2.
Variant type: single nucleotide variant.
Coding change: c.136C>G on transcript NM_000130.5 (MANE Select); coding-DNA position 136, C replaced by G.
Protein change: p.Arg46Gly; replaces arginine 46 with glycine.
Molecular consequence: missense variant.
Genome position (GRCh38, 1-based): chr1:169,586,251, G>C on the plus strand (C>G on the coding strand, the complement: F5 is on the minus strand). VCF-style: chr1-169586251-G-C. GRCh37 (hg19) VCF-style: chr1-169555489-G-C.
Other names: short protein forms R46G.
Identifiers: ClinVar variation 1771009 (VCV001771009.7), dbSNP rs140598745, ClinGen allele CA1234733.